The following is an entry in ClinVar:

ClinVar aggregate classification (germline): Pathogenic (1 of 4 stars; one submission).

Submission:

Labcorp Genetics (formerly Invitae), Labcorp
Classification: Pathogenic. Last evaluated: 2025-07-13. Review status: criteria provided, single submitter. Criteria: Invitae Variant Classification Sherloc (09022015). Collection method: clinical testing. Allele origin: germline.
Comment: This sequence change creates a premature translational stop signal (p.Glu179*) in the SCP2 gene. It is expected to result in an absent or disrupted protein product. Loss-of-function variants in SCP2 are known to be pathogenic (PMID: 16685654, 26497993). This variant is not present in population databases (gnomAD no frequency). This variant has not been reported in the literature in individuals affected with SCP2-related conditions. ClinVar contains an entry for this variant (Variation ID: 2696338). Algorithms developed to predict the effect of sequence changes on RNA splicing suggest that this variant may disrupt the consensus splice site. For these reasons, this variant has been classified as Pathogenic.

Literature cited by the submitters: PubMed 16685654; PubMed 26497993.

NM_002979.5(SCP2):c.535G>T (p.Glu179Ter)

Gene: SCP2 (sterol carrier protein 2; plus strand). Cytogenetic location: 1p32.3.
Variant type: single nucleotide variant.
Coding change: c.535G>T on transcript NM_002979.5 (MANE Select); coding-DNA position 535, G replaced by T.
Protein change: p.Glu179Ter; replaces glutamic acid 179 with a stop codon.
Molecular consequence: nonsense.
Genome position (GRCh38, 1-based): chr1:52,974,780, G>T. VCF-style: chr1-52974780-G-T. GRCh37 (hg19) VCF-style: chr1-53440452-G-T.
Other names: c.403G>T, p.Glu135Ter (NM_001007098.3, NM_001193600.2); c.463G>T, p.Glu155Ter (NM_001193599.2); c.292G>T, p.Glu98Ter (NM_001193617.2); c.535G>T, p.Glu179Ter (NM_001330587.2); short protein forms E179*, E98*, E155*, E135*.
Identifiers: ClinVar variation 2696338 (VCV002696338.3), dbSNP rs2524652526, ClinGen allele CA340380050.